The following is an entry in ClinVar:

ClinVar aggregate classification (germline): Likely pathogenic (1 of 4 stars; one submission).

Conditions:
Neurofibromatosis, type 1 (NF1). Also called: VON RECKLINGHAUSEN DISEASE; NEUROFIBROMATOSIS, TYPE I, SOMATIC; Peripheral type neurofibromatosis; Neurofibromatosis, type I. Identifiers: Orphanet 636, MedGen C0027831, MONDO:0018975, OMIM 162200. Disease mechanism: loss of function.

Submission:

Labcorp Genetics (formerly Invitae), Labcorp
Classification: Likely pathogenic for Neurofibromatosis, type 1. Last evaluated: 2019-09-06. Review status: criteria provided, single submitter. Criteria: Invitae Variant Classification Sherloc (09022015). Collection method: clinical testing. Allele origin: germline.
Comment: This sequence change affects a donor splice site in intron 37 of the NF1 gene. It is expected to disrupt RNA splicing and likely results in an absent or disrupted protein product. This variant is not present in population databases (ExAC no frequency). This variant has not been reported in the literature in individuals with NF1-related conditions. Algorithms developed to predict the effect of sequence changes on RNA splicing suggest that this variant may disrupt the consensus splice site, but this prediction has not been confirmed by published transcriptional studies. Donor and acceptor splice site variants typically lead to a loss of protein function (PMID: 16199547), and loss-of-function variants in NF1 are known to be pathogenic (PMID: 10712197, 23913538). In summary, the currently available evidence indicates that the variant is pathogenic, but additional data are needed to prove that conclusively. Therefore, this variant has been classified as Likely Pathogenic.

Literature cited by the submitters: PubMed 23913538; PubMed 10712197.

NM_001042492.3(NF1):c.5609_5609+1delinsAA

Gene: NF1 (neurofibromin 1; plus strand). Cytogenetic location: 17q11.2.
Variant type: Indel.
Coding change: c.5609_5609+1delinsAA on transcript NM_001042492.3 (MANE Select); coding-DNA position 5609 through the canonical splice donor site of the intron after coding-DNA position 5609, GG replaced by AA.
Molecular consequence: splice donor variant.
Genome position (GRCh38, 1-based): chr17:31,327,839-31,327,840, GG replaced by AA. VCF-style: chr17-31327839-GG-AA. GRCh37 (hg19) VCF-style: chr17-29654857-GG-AA.
Other names: c.5546_5546+1delinsAA (NM_000267.4).
Identifiers: ClinVar variation 953772 (VCV000953772.1), dbSNP rs2069386760, ClinGen allele CA1139665387.